The following is an entry in ClinVar:

NM_000548.5(TSC2):c.3207G>C (p.Val1069=)

Gene: TSC2 (TSC complex subunit 2; plus strand). Cytogenetic location: 16p13.3.
Variant type: single nucleotide variant.
Coding change: c.3207G>C on transcript NM_000548.5 (MANE Select); coding-DNA position 3207, G replaced by C.
Protein change: p.Val1069=; no amino-acid change (valine 1069 retained).
Molecular consequence: synonymous variant. On other transcripts: non-coding transcript variant (5).
Genome position (GRCh38, 1-based): chr16:2,079,351, G>C. VCF-style: chr16-2079351-G-C. GRCh37 (hg19) VCF-style: chr16-2129352-G-C.
Other names: c.3075G>C, p.Val1025= (NM_001077183.3, NM_001370404.1, NM_001406665.1); c.3207G>C, p.Val1069= (NM_001114382.3); c.2967G>C, p.Val989= (NM_001318827.2); c.2931G>C, p.Val977= (NM_001318829.2); c.2475G>C, p.Val825= (NM_001318831.2, NM_001406687.1, NM_001406688.1); c.3108G>C, p.Val1036= (NM_001318832.2); c.3078G>C, p.Val1026= (NM_001363528.2, NM_001370405.1, NM_021055.3); c.3204G>C, p.Val1068= (NM_001406663.1, NM_001406664.1); and 18 more.
Identifiers: ClinVar variation 4873035 (VCV004873035.2).

ClinVar aggregate classification (germline): Likely benign (1 of 4 stars; one submission).

Submission:

CeGaT Center for Human Genetics Tuebingen
Classification: Likely benign. Last evaluated: 2026-05-01. Review status: criteria provided, single submitter. Criteria: CeGaT Center For Human Genetics Tuebingen Variant Classification Criteria Version 2. Collection method: clinical testing. Allele origin: germline. Affected: yes. Observed: 1 variant allele.
Comment: TSC2: PM2:Supporting, BP4, BP7